The following is an entry in ClinVar:

ClinVar aggregate classification (germline): Uncertain significance (1 of 4 stars; one submission).

Conditions:
Spastic paraplegia. Identifiers: MedGen C0037772, HP:0001258.

Allele frequency attached by ClinVar (database versions not stated): TOPMed below 0.00001; gnomAD 0.00001; gnomAD exomes 0.00001; ExAC 0.00011.
gnomAD v4.1: 11 of 1,551,514 alleles (0.00071%); highest among the groups gnomAD compares: South Asian, 0.0095%; no homozygotes.

Submission:

Labcorp Genetics (formerly Invitae), Labcorp
Classification: Uncertain significance for Spastic paraplegia. Last evaluated: 2024-10-07. Review status: criteria provided, single submitter. Criteria: Invitae Variant Classification Sherloc (09022015). Collection method: clinical testing. Allele origin: germline.
Comment: This sequence change replaces valine, which is neutral and non-polar, with methionine, which is neutral and non-polar, at codon 105 of the CYP2U1 protein (p.Val105Met). This variant is present in population databases (rs748573097, gnomAD 0.004%). This variant has not been reported in the literature in individuals affected with CYP2U1-related conditions. ClinVar contains an entry for this variant (Variation ID: 2152366). Invitae Evidence Modeling of protein sequence and biophysical properties (such as structural, functional, and spatial information, amino acid conservation, physicochemical variation, residue mobility, and thermodynamic stability) indicates that this missense variant is not expected to disrupt CYP2U1 protein function with a negative predictive value of 95%. In summary, the available evidence is currently insufficient to determine the role of this variant in disease. Therefore, it has been classified as a Variant of Uncertain Significance.

NM_183075.3(CYP2U1):c.313G>A (p.Val105Met)

Genes: CYP2U1 (cytochrome P450 family 2 subfamily U member 1; plus strand), CYP2U1-AS1 (CYP2U1 and SGMS2 antisense RNA 1; minus strand). Cytogenetic location: 4q25.
Variant type: single nucleotide variant.
Coding change: c.313G>A on transcript NM_183075.3 (MANE Select); coding-DNA position 313, G replaced by A.
Protein change: p.Val105Met; replaces valine 105 with methionine.
Molecular consequence: missense variant.
Genome position (GRCh38, 1-based): chr4:107,931,956, G>A. VCF-style: chr4-107931956-G-A. GRCh37 (hg19) VCF-style: chr4-108853112-G-A.
Other names: short protein forms V105M.
Identifiers: ClinVar variation 2152366 (VCV002152366.4), dbSNP rs748573097, ClinGen allele CA3036968.